The following is an entry in ClinVar:

NC_000015.9:g.(?_73002021)_(73002140_?)del

Gene: BBS4 (Bardet-Biedl syndrome 4; plus strand). Cytogenetic location: 15q24.1.
Variant type: Deletion.
Identifiers: ClinVar variation 3243767 (VCV003243767.1).

ClinVar aggregate classification (germline): Pathogenic (1 of 4 stars; one submission).

Conditions:
Bardet-Biedl syndrome (BBS). Identifiers: Orphanet 110, MedGen C0752166, MONDO:0015229.

Submission:

Labcorp Genetics (formerly Invitae), Labcorp
Classification: Pathogenic for Bardet-Biedl syndrome. Last evaluated: 2023-11-10. Review status: criteria provided, single submitter. Criteria: Invitae Variant Classification Sherloc (09022015). Collection method: clinical testing. Allele origin: unknown.
Comment: This variant is a gross deletion of the genomic region encompassing exon(s) 3 of the BBS4 gene. This deletion is out-of-frame, and is expected to create a premature termination codon and result in an absent or disrupted protein product. Loss-of-function variants in BBS4 are known to be pathogenic (PMID: 11381270, 12016587, 20177705, 27894351). A similar copy number variant has been observed in individual(s) with Bardet-Biedl syndrome (PMID: 27894351). This variant is also known as c.77_156del (p.Ala26Glyfs*15). For these reasons, this variant has been classified as Pathogenic.

Literature cited by the submitters: PubMed 11381270; PubMed 12016587; PubMed 20177705; PubMed 27894351.